The following is an entry in ClinVar:

ClinVar aggregate classification (germline): Benign (0 of 4 stars; one submission).

Conditions:
GIGYF2-related disorder. Also called: GIGYF2-related condition.

Allele frequency attached by ClinVar (database versions not stated): gnomAD 0.01286; 1000 Genomes Project 0.01298; 1000 Genomes Project 30x 0.01468; TOPMed 0.01475; ESP Exome Variant Server 0.01515.
gnomAD v4.1: 3,810 of 1,613,586 alleles (0.24%); highest among the groups gnomAD compares: African/African-American, 4.4%; 59 homozygotes.

Submission:

PreventionGenetics, part of Exact Sciences
Classification: Benign for GIGYF2-related condition. Last evaluated: 2019-05-01. Review status: no assertion criteria provided. Collection method: clinical testing. Allele origin: germline.
Comment: This variant is classified as benign based on ACMG/AMP sequence variant interpretation guidelines (Richards et al. 2015 PMID: 25741868, with internal and published modifications).

NM_001103146.3(GIGYF2):c.1268C>T (p.Pro423Leu)

Gene: GIGYF2 (GRB10 interacting GYF protein 2; plus strand). Cytogenetic location: 2q37.1.
Variant type: single nucleotide variant.
Coding change: c.1268C>T on transcript NM_001103146.3 (MANE Select); coding-DNA position 1268, C replaced by T.
Protein change: p.Pro423Leu; replaces proline 423 with leucine.
Molecular consequence: missense variant. On other transcripts: non-coding transcript variant (1).
Genome position (GRCh38, 1-based): chr2:232,791,432, C>T. VCF-style: chr2-232791432-C-T. GRCh37 (hg19) VCF-style: chr2-233656142-C-T.
Other names: c.1331C>T, p.Pro444Leu (NM_001103147.2); c.1250C>T, p.Pro417Leu (NM_001103148.2); c.1268C>T, p.Pro423Leu (NM_015575.4); short protein forms P417L, P423L, P444L.
Identifiers: ClinVar variation 3038150 (VCV003038150.2), dbSNP rs34845648, ClinGen allele CA2170304.
Genomic context (GRCh38, chr2:232,791,432, plus strand): 5'-AGCAAACGGAAAAAGCTGAAGAGGAGACTCGGATGGAAAATAGTCTACCAGCCAAAGTGC[C>T]CAGCAGAGGGGATGGTATGTATTTGTGGGAATAGACAAGCTAAAATAGGATTCTGCTGAG-3'
Protein context (NP_001096616.1, residues 413-433): RMENSLPAKV[Pro423Leu]SRGDEMVADV